The following is an entry in ClinVar:

ClinVar aggregate classification (germline): Conflicting classifications of pathogenicity. Review status: criteria provided, conflicting classifications (1 of 4 stars). 2 submissions from 2 submitters: Uncertain significance (1); Likely benign (1). Last evaluated 2025-09-30.

Conditions:
GLUT1 deficiency syndrome 1, autosomal recessive. Identifiers: MedGen C3149117.

Submissions (2):

GeneDx
Classification: Uncertain significance. Last evaluated: 2025-09-30. Review status: criteria provided, single submitter. Criteria: GeneDx Variant Classification Process June 2021. Collection method: clinical testing. Allele origin: germline. Affected: yes.
Comment: In silico analysis is inconclusive as to whether the variant alters gene splicing. In the absence of RNA/functional studies, the actual effect of this sequence change is unknown.; Has not been previously published as pathogenic or benign to our knowledge

Labcorp Genetics (formerly Invitae), Labcorp
Classification: Likely benign for GLUT1 deficiency syndrome 1, autosomal recessive. Last evaluated: 2025-04-13. Review status: criteria provided, single submitter. Criteria: Invitae Variant Classification Sherloc (09022015). Collection method: clinical testing. Allele origin: germline.

NM_006516.4(SLC2A1):c.1279-11_1279-8del

Gene: SLC2A1 (solute carrier family 2 member 1; minus strand). Cytogenetic location: 1p34.2.
Variant type: Microsatellite.
Coding change: c.1279-11_1279-8del on transcript NM_006516.4 (MANE Select); 11 bases into the intron before coding-DNA position 1279 through 8 bases into the intron before coding-DNA position 1279, 4 bases deleted (GTGT; older notation c.1279-11_1279-8delGTGT).
Molecular consequence: intron variant.
Genome position (GRCh38, 1-based): chr1:42,927,249-42,927,252, ACAC deleted on the plus strand (GTGT on the coding strand, the reverse complement: SLC2A1 is on the minus strand); deleting any 4 consecutive bases within chr1:42,927,249-42,927,255 gives the same sequence; the c. name uses the placement nearest the transcript's 3' end. VCF-style (leftmost placement, unchanged base first): chr1-42927248-GACAC-G. GRCh37 (hg19) VCF-style: chr1-43392919-GACAC-G.
Identifiers: ClinVar variation 846563 (VCV000846563.11), dbSNP rs754641257, ClinGen allele CA803293.